The following is an entry in ClinVar:

ClinVar aggregate classification (germline): Pathogenic. Review status: criteria provided, multiple submitters, no conflicts (2 of 4 stars). 11 submissions from 11 submitters: Pathogenic (10). 1 of the submissions does not count toward it. Last evaluated 2026-08-08.

Conditions:
Osteoporosis. Identifiers: MedGen C0029456, MONDO:0005298, OMIM 166710, HP:0000939.
Osteogenesis imperfecta, perinatal lethal (OI2). Also called: OSTEOGENESIS IMPERFECTA, TYPE II; Osteogenesis imperfecta, dominant perinatal lethal; Osteogenesis imperfecta type 2; OI, TYPE II; OSTEOGENESIS IMPERFECTA CONGENITA; VROLIK TYPE OF OSTEOGENESIS IMPERFECTA. Identifiers: Orphanet 216804, MedGen C0268358, MONDO:0008147, OMIM 166210.
Osteogenesis imperfecta type III (OI3). Also called: Osteogenesis imperfecta type 3; OI type 3; Osteogenesis imperfecta, progressively deforming with normal sclerae; OI type III; Progressively Deforming Osteogenesis Imperfecta. Identifiers: Orphanet 216812, Orphanet 666, MedGen C0268362, MONDO:0009804, OMIM 259420.
Ehlers-Danlos syndrome, arthrochalasia type, 2. Also called: EHLERS-DANLOS SYNDROME, TYPE VIIB, AUTOSOMAL DOMINANT. Identifiers: MedGen CN293783, MONDO:0040501, OMIM 617821.
Osteogenesis imperfecta with normal sclerae, dominant form (OI4). Also called: Osteogenesis Imperfecta Type IV; Common Variable Osteogenesis Imperfecta with Normal Sclerae; OSTEOGENESIS IMPERFECTA, TYPE IV, WITH DENTINOGENESIS IMPERFECTA; Osteogenesis imperfecta type 4; OSTEOGENESIS IMPERFECTA WITH NORMAL SCLERAE. Identifiers: Orphanet 216820, Orphanet 666, MedGen C0268363, MONDO:0008148, OMIM 166220.
Combined osteogenesis imperfecta and Ehlers-Danlos syndrome 2. Also called: OIEDS SYNDROME 2. Identifiers: MedGen C5436847, MONDO:0030855, OMIM 619120.
Ehlers-Danlos syndrome, cardiac valvular type. Identifiers: Orphanet 230851, MedGen C4303789, MONDO:0009159, OMIM 225320.
COL1A2-related disorder. Also called: COL1A2-Related Disorders; COL1A2-related condition.
Ehlers-Danlos syndrome, classic type, 1 (EDSCL1). Also called: EDS I; Ehlers-Danlos Syndrome, Classic Type, COL5A1-Related; Ehlers-Danlos syndrome, type 1; EHLERS-DANLOS SYNDROME, GRAVIS TYPE; EHLERS-DANLOS SYNDROME, SEVERE CLASSIC TYPE. Identifiers: MedGen C0268335, MONDO:0019567, OMIM 130000.
Osteogenesis imperfecta type I (OI1). Also called: Lobstein disease; Classic Non-deforming Osteogenesis Imperfecta with Blue Sclerae; Lobstein's Disease; Osteogenesis imperfecta type 1; OI, TYPE I; OSTEOGENESIS IMPERFECTA TARDA. Identifiers: Orphanet 216796, Orphanet 666, MedGen C0023931, MONDO:0008146, OMIM 166200. Disease mechanism: loss of function.
Osteogenesis imperfecta (OI). Identifiers: Orphanet 666, MedGen C0029434, MeSH D010013, MONDO:0019019.
Postmenopausal osteoporosis. Also called: BONE MINERAL DENSITY QUANTITATIVE TRAIT LOCUS; OSTEOPOROSIS, INVOLUTIONAL. Identifiers: MedGen C0029458, MONDO:0008159.

Allele frequency attached by ClinVar (database versions not stated): gnomAD exomes below 0.00001; TOPMed below 0.00001; ExAC 0.00001.

Submissions (11):

GeneDx
Classification: Pathogenic. Last evaluated: 2026-08-08. Review status: criteria provided, single submitter. Criteria: GeneDx Variant Classification Process June 2021. Collection method: clinical testing. Allele origin: germline.
Comment: Occurs in the triple helical domain and replaces a glycine in a canonical Gly-X-Y repeat; missense substitution of a canonical glycine residue is expected to disrupt normal protein folding and function, and this is an established mechanism of disease (PMID: 34007986); Not observed at significant frequency in large population cohorts (gnomAD); In silico analysis supports that this missense variant has a deleterious effect on protein structure/function; This variant is associated with the following publications: (PMID: 16879195, 22753364, 36307859, 37079061, 36714562, 34902613, 36896471, 30283887, 30886339, 31039433, 17078022, 26177859, 31794058, 35252483, 39316135, 38702915, 34007986)

Women's Health and Genetics/Laboratory Corporation of America, LabCorp
Classification: Pathogenic for Osteogenesis imperfecta. Last evaluated: 2026-03-09. Review status: criteria provided, single submitter. Criteria: LabCorp Variant Classification Summary - May 2015. Collection method: clinical testing. Allele origin: germline.
Comment: Variant summary: COL1A2 c.577G>A (p.Gly193Ser) results in a non-conservative amino acid change in the encoded protein sequence. Algorithms developed to predict the effect of missense changes on protein structure and function all suggest that this variant is likely to be disruptive. This variant disrupts the triple helix domain of COL1A2. Glycine residues within the Gly-Xaa-Yaa repeats of the triple helix domain are required for the structure and stability of fibrillar collagens (PMID: 7695699, 8218237, 19344236).The variant allele was found at a frequency of 4e-06 in 251408 control chromosomes. c.577G>A has been observed in multiple individuals affected with Osteogenesis Imperfecta (e.g. Venturi_2006, Marini_2007, Gentile_2012, Lindahl_2015). These data indicate that the variant is very likely to be associated with disease. To our knowledge, no experimental evidence demonstrating an impact on protein function has been reported. The following publications have been ascertained in the context of this evaluation (PMID: 16879195, 17078022, 22753364, 26177859). ClinVar contains an entry for this variant (Variation ID: 265387). Based on the evidence outlined above, the variant was classified as pathogenic.

3billion
Classification: Pathogenic for COL1A2-related disorder. Last evaluated: 2026-01-23. Review status: criteria provided, single submitter. Criteria: ACMG Guidelines, 2015. Collection method: clinical testing. Allele origin: germline. Affected: yes.
Comment: The variant is observed at an extremely low frequency in the gnomAD v4.1.0 dataset (total allele frequency: <0.001%). Predicted Consequence/Location: The variant is located in a mutational hot spot and/or well-established functional domain in which established pathogenic variants have been reported. Missense variant. Missense changes are a common disease-causing mechanism. In silico tool predictions suggest damaging effect of the variant on gene or gene product [REVEL: 0.98 (>=0.6, sensitivity 0.68 and specificity 0.92); 3Cnet: 0.99 (> 0.75, sensitivity 0.96 and precision 0.92)]. The same nucleotide change resulting in the same amino acid change has been previously reported as pathogenic/likely pathogenic with strong evidence (ClinVar ID: VCV000265387 /PMID: 16879195). Different missense changes at the same codon (p.Gly193Arg, p.Gly193Asp, p.Gly193Cys, p.Gly193Val) have been reported as pathogenic/likely pathogenic with strong evidence (ClinVar ID: VCV002136559, VCV004075358 /PMID: 17078022, 27509835, 29499418, 30715774). Therefore, this variant is classified as Pathogenic according to the recommendation of ACMG/AMP guideline.

Labcorp Genetics (formerly Invitae), Labcorp
Classification: Pathogenic for Osteogenesis imperfecta type I; Ehlers-Danlos syndrome, classic type, 1. Last evaluated: 2026-01-06. Review status: criteria provided, single submitter. Criteria: Invitae Variant Classification Sherloc (09022015). Collection method: clinical testing. Allele origin: germline.
Comment: This sequence change replaces glycine, which is neutral and non-polar, with serine, which is neutral and polar, at codon 193 of the COL1A2 protein (p.Gly193Ser). This variant is present in population databases (rs72656370, gnomAD 0.0009%). This missense change has been observed in individuals with osteogenesis imperfecta (PMID: 16879195, 17078022, 22753364, 26177859). ClinVar contains an entry for this variant (Variation ID: 265387). Invitae Evidence Modeling of protein sequence and biophysical properties (such as structural, functional, and spatial information, amino acid conservation, physicochemical variation, residue mobility, and thermodynamic stability) indicates that this missense variant is expected to disrupt COL1A2 protein function with a positive predictive value of 95%. This variant disrupts the triple helix domain of COL1A2. Glycine residues within the Gly-Xaa-Yaa repeats of the triple helix domain are required for the structure and stability of fibrillar collagens (PMID: 7695699, 8218237, 19344236). In COL1A2, variants affecting these glycine residues are significantly enriched in individuals with disease (PMID: 9016532, 17078022) compared to the general population (ExAC). For these reasons, this variant has been classified as Pathogenic.

Laboratory of Medical Genetics, National & Kapodistrian University of Athens
Classification: Pathogenic for Combined osteogenesis imperfecta and Ehlers-Danlos syndrome 2. Last evaluated: 2024-06-03. Review status: criteria provided, single submitter. Criteria: ACMG Guidelines, 2015. Collection method: clinical testing. Allele origin: germline. Affected: yes.
Comment: PS4, PM1, PM5, PM2, PP3, PP5 - This variant has been reported in ClinVar as Pathogenic by other laboratories (Variation ID: 265387). Low frequency in gnomAD population databases.

Blueprint Genetics
Classification: Pathogenic for COL1A2-related disorders. Last evaluated: 2023-05-23. Review status: criteria provided, single submitter. Criteria: ACMG Guidelines, 2015. Collection method: clinical testing. Allele origin: germline. Affected: yes. Observed: 5 variant alleles.

Clinical Genetics Laboratory, Skane University Hospital Lund
Classification: Pathogenic. Last evaluated: 2022-11-30. Review status: criteria provided, single submitter. Criteria: ACMG Guidelines, 2015. Collection method: clinical testing. Allele origin: germline. Affected: yes.

Institute for Medical Genetics and Human Genetics, Charité - Universitätsmedizin Berlin
Classification: Pathogenic for Osteoporosis. Last evaluated: 2021-06-14. Review status: criteria provided, single submitter. Criteria: ACMG Guidelines, 2015. Collection method: not provided. Allele origin: germline. Affected: yes. Observed: 1 heterozygote.

Revvity Omics, Revvity
Classification: Pathogenic. Last evaluated: 2019-10-23. Review status: criteria provided, single submitter. Criteria: ACMG Guidelines, 2015. Collection method: clinical testing. Allele origin: germline.

Juno Genomics, Hangzhou Juno Genomics, Inc
Classification: Pathogenic for Osteoporosis; Combined osteogenesis imperfecta and Ehlers-Danlos syndrome 2; Ehlers-Danlos syndrome, arthrochalasia type, 2; Ehlers-Danlos syndrome, cardiac valvular type; Osteogenesis imperfecta, perinatal lethal; Osteogenesis imperfecta type III; Osteogenesis imperfecta with normal sclerae, dominant form. Review status: criteria provided, single submitter. Criteria: ACMG Guidelines, 2015. Collection method: clinical testing. Allele origin: germline. Affected: yes.
Comment: Absent from controls (or at extremely low frequency if recessive) in Genome Aggregation Database, Exome Sequencing Project, 1000 Genomes Project, or Exome Aggregation Consortium.;The prevalence of the variant in affected individuals is significantly increased compared to the prevalence in controls.;Patient's phenotype or family history is highly specific for a disease with a single genetic etiology.;Novel missense change at an amino acid residue where a different missense change determined to be pathogenic has been seen before.;Multiple lines of computational evidence support a deleterious effect on the gene or gene product (conservation, evolutionary, splicing impact, etc).;Missense variant in a gene that has a low rate of benign missense variation and where missense variants are a common mechanism of disease.

Department of Medical Sciences, Uppsala University
Classification: Pathogenic for OI type I. Review status: no assertion criteria provided. Collection method: clinical testing. Allele origin: maternal, paternal. Affected: yes. Observed: 4 variant alleles. Not counted in ClinVar's aggregate classification.

Literature cited by the submitters: PubMed 16879195 (cited by 3 submitters); PubMed 17078022 (cited by 3 submitters); PubMed 26177859 (cited by Women's Health and Genetics/Laboratory Corporation of America, LabCorp and Labcorp Genetics (formerly Invitae), Labcorp); PubMed 22753364 (cited by Women's Health and Genetics/Laboratory Corporation of America, LabCorp and Labcorp Genetics (formerly Invitae), Labcorp); PubMed 7695699 (cited by Labcorp Genetics (formerly Invitae), Labcorp); PubMed 8218237 (cited by Labcorp Genetics (formerly Invitae), Labcorp); PubMed 19344236 (cited by Labcorp Genetics (formerly Invitae), Labcorp); PubMed 9016532 (cited by Labcorp Genetics (formerly Invitae), Labcorp); PubMed 25944380 (cited by Department of Medical Sciences, Uppsala University).

NM_000089.4(COL1A2):c.577G>A (p.Gly193Ser)

Gene: COL1A2 (collagen type I alpha 2 chain; plus strand). Cytogenetic location: 7q21.3.
Variant type: single nucleotide variant.
Coding change: c.577G>A on transcript NM_000089.4 (MANE Select); coding-DNA position 577, G replaced by A.
Protein change: p.Gly193Ser; replaces glycine 193 with serine.
Molecular consequence: missense variant.
Genome position (GRCh38, 1-based): chr7:94,406,286, G>A. VCF-style: chr7-94406286-G-A. GRCh37 (hg19) VCF-style: chr7-94035598-G-A.
Other names: c.577G>A (LRG_2t1); short protein forms G193S.
Identifiers: ClinVar variation 265387 (VCV000265387.29), dbSNP rs72656370, ClinGen allele CA4346716.